The following is an entry in ClinVar:

ClinVar aggregate classification (germline): Uncertain significance (1 of 4 stars; one submission).

gnomAD v4.1: 3 of 1,613,948 alleles (0.00019%); highest among the groups gnomAD compares: Non-Finnish European, 0.00025%; no homozygotes.

Submission:

GeneDx
Classification: Uncertain significance. Last evaluated: 2024-11-26. Review status: criteria provided, single submitter. Criteria: GeneDx Variant Classification Process June 2021. Collection method: clinical testing. Allele origin: germline. Affected: yes.
Comment: Not observed at significant frequency in large population cohorts (gnomAD); In silico analysis supports that this missense variant has a deleterious effect on protein structure/function; Has not been previously published as pathogenic or benign to our knowledge

NM_001080517.3(SETD5):c.276G>T (p.Trp92Cys)

Gene: SETD5 (SET domain containing 5; plus strand). Cytogenetic location: 3p25.3.
Variant type: single nucleotide variant.
Coding change: c.276G>T on transcript NM_001080517.3 (MANE Select); coding-DNA position 276, G replaced by T.
Protein change: p.Trp92Cys; replaces tryptophan 92 with cysteine.
Molecular consequence: missense variant. On other transcripts: 5 prime UTR variant (2).
Genome position (GRCh38, 1-based): chr3:9,434,432, G>T. VCF-style: chr3-9434432-G-T. GRCh37 (hg19) VCF-style: chr3-9476116-G-T.
Other names: c.-58G>T (NM_001292043.2); c.-99G>T (NM_001349451.2); short protein forms W92C.
Identifiers: ClinVar variation 3900181 (VCV003900181.1).